The following is an entry in ClinVar:

NM_001458.5(FLNC):c.81C>A (p.Asp27Glu)

Gene: FLNC (filamin C; plus strand). Cytogenetic location: 7q32.1.
Variant type: single nucleotide variant.
Coding change: c.81C>A on transcript NM_001458.5 (MANE Select); coding-DNA position 81, C replaced by A.
Protein change: p.Asp27Glu; replaces aspartic acid 27 with glutamic acid.
Molecular consequence: missense variant.
Genome position (GRCh38, 1-based): chr7:128,830,718, C>A. VCF-style: chr7-128830718-C-A. GRCh37 (hg19) VCF-style: chr7-128470772-C-A.
Other names: c.81C>A, p.Asp27Glu (NM_001127487.2); short protein forms D27E.
Identifiers: ClinVar variation 857181 (VCV000857181.15), dbSNP rs1318316375, ClinGen allele CA369215644.

ClinVar aggregate classification (germline): Conflicting classifications of pathogenicity. Review status: criteria provided, conflicting classifications (1 of 4 stars). 3 submissions from 3 submitters: Uncertain significance (2); Likely benign (1). Last evaluated 2025-10-12.

Conditions:
Distal myopathy with posterior leg and anterior hand involvement. Also called: WILLIAMS DISTAL MYOPATHY. Identifiers: Orphanet 63273, MedGen C3279722, MONDO:0013550, OMIM 614065.
Hypertrophic cardiomyopathy 26. Also called: Cardiomyopathy, familial hypertrophic, 26. Identifiers: Orphanet 75249, MedGen C4310749, MONDO:0014883, OMIM 617047.
Myofibrillar myopathy 5. Also called: Filaminopathy (type); FILAMINOPATHY, AUTOSOMAL DOMINANT. Identifiers: Orphanet 171445, MedGen C1836050, MONDO:0012289, OMIM 609524.
Cardiovascular phenotype. Identifiers: MedGen CN230736.

Allele frequency attached by ClinVar (database versions not stated): gnomAD exomes 0.00001; gnomAD 0.00004; TOPMed 0.00006.
gnomAD v4.1: 9 of 1,612,950 alleles (0.00056%); highest among the groups gnomAD compares: African/African-American, 0.008%; no homozygotes.

Submissions (3):

Labcorp Genetics (formerly Invitae), Labcorp
Classification: Uncertain significance for Distal myopathy with posterior leg and anterior hand involvement; Myofibrillar myopathy 5; Hypertrophic cardiomyopathy 26. Last evaluated: 2025-10-12. Review status: criteria provided, single submitter. Criteria: Invitae Variant Classification Sherloc (09022015). Collection method: clinical testing. Allele origin: germline.
Comment: This sequence change replaces aspartic acid, which is acidic and polar, with glutamic acid, which is acidic and polar, at codon 27 of the FLNC protein (p.Asp27Glu). This variant is present in population databases (no rsID available, gnomAD 0.006%). This variant has not been reported in the literature in individuals affected with FLNC-related conditions. ClinVar contains an entry for this variant (Variation ID: 857181). Invitae Evidence Modeling of protein sequence and biophysical properties (such as structural, functional, and spatial information, amino acid conservation, physicochemical variation, residue mobility, and thermodynamic stability) has been performed for this missense variant. However, the output from this modeling did not meet the statistical confidence thresholds required to predict the impact of this variant on FLNC protein function. In summary, the available evidence is currently insufficient to determine the role of this variant in disease. Therefore, it has been classified as a Variant of Uncertain Significance.

Ambry Genetics
Classification: Likely benign for Cardiovascular phenotype. Last evaluated: 2025-08-18. Review status: criteria provided, single submitter. Criteria: Ambry Variant Classification Scheme 2023. Collection method: clinical testing. Allele origin: germline.

Fulgent Genetics
Classification: Uncertain significance for Myofibrillar myopathy 5; Distal myopathy with posterior leg and anterior hand involvement; Hypertrophic cardiomyopathy 26. Last evaluated: 2021-12-30. Review status: criteria provided, single submitter. Criteria: ACMG Guidelines, 2015. Collection method: clinical testing. Allele origin: unknown.